The following is an entry in ClinVar:

NM_001023.4(RPS20):c.3+7C>T

Gene: RPS20 (ribosomal protein S20; minus strand). Cytogenetic location: 8q12.1.
Variant type: single nucleotide variant.
Coding change: c.3+7C>T on transcript NM_001023.4 (MANE Select); 7 bases into the intron after coding-DNA position 3, C replaced by T.
Molecular consequence: intron variant.
Genome position (GRCh38, 1-based): chr8:56,074,374, G>A on the plus strand (C>T on the coding strand, the complement: RPS20 is on the minus strand). VCF-style: chr8-56074374-G-A. GRCh37 (hg19) VCF-style: chr8-56986933-G-A.
Other names: c.3+7C>T (NM_001146227.3).
Identifiers: ClinVar variation 1612255 (VCV001612255.9), dbSNP rs1809872875, ClinGen allele CA1114120034.
Genomic context (GRCh38, chr8:56,074,374, plus strand): 5'-TCGAAACCGGGGTCCCCCCGGCGCCCGAGCCCTGCGTTGCGCCGCCCGCCGCCGACTGCC[G>A]CCTCACCATGGCTGTTGCGCGCGGGCTTCCTGACCGACTTGTTCCTCGGCGAGAGCGAAC-3'

ClinVar aggregate classification (germline): Likely benign. Review status: criteria provided, multiple submitters, no conflicts (2 of 4 stars). 2 submissions from 2 submitters: Likely benign (2). Last evaluated 2026-07-31.

Conditions:
Familial colorectal cancer type X. Identifiers: Orphanet 440437, MedGen C3896578, MONDO:0018604.

Allele frequency attached by ClinVar (database versions not stated): gnomAD 0.00001; gnomAD exomes below 0.00001.
gnomAD v4.1: 6 of 1,557,892 alleles (0.00039%); highest among the groups gnomAD compares: African/African-American, 0.0041%; no homozygotes.

Submissions (2):

Myriad Genetics, Inc.
Classification: Likely benign for Familial colorectal cancer type X. Last evaluated: 2026-07-31. Review status: criteria provided, single submitter. Criteria: Myriad Autosomal Dominant, Autosomal Recessive and X-Linked Classification Criteria (2023). Collection method: clinical testing. Allele origin: unknown.
Comment: This variant is considered likely benign. This variant is intronic and is not expected to impact mRNA splicing.

Labcorp Genetics (formerly Invitae), Labcorp
Classification: Likely benign. Last evaluated: 2025-03-22. Review status: criteria provided, single submitter. Criteria: Invitae Variant Classification Sherloc (09022015). Collection method: clinical testing. Allele origin: germline.